The following is an entry in ClinVar:

NM_014363.6(SACS):c.9659_9660del (p.Ser3220fs)

Gene: SACS (sacsin molecular chaperone; minus strand). Cytogenetic location: 13q12.12.
Variant type: Microsatellite.
Coding change: c.9659_9660del on transcript NM_014363.6 (MANE Select); coding-DNA positions 9659 to 9660, 2 bases deleted (CT; older notation c.9659_9660delCT).
Protein change: p.Ser3220fs; shifts the reading frame from serine 3220.
Molecular consequence: frameshift variant.
Genome position (GRCh38, 1-based): chr13:23,334,216-23,334,217, AG deleted on the plus strand (CT on the coding strand, the reverse complement: SACS is on the minus strand); deleting any 2 consecutive bases within chr13:23,334,216-23,334,219 gives the same sequence; the c. name uses the placement nearest the transcript's 3' end. VCF-style (leftmost placement, unchanged base first): chr13-23334215-CAG-C. GRCh37 (hg19) VCF-style: chr13-23908354-CAG-C.
Other names: c.9218_9219del, p.Ser3073fs (NM_001278055.2); short protein forms S3073fs, S3220fs.
Identifiers: ClinVar variation 1454896 (VCV001454896.8), dbSNP rs2137582027, ClinGen allele CA2580614614.
Genomic context (GRCh38, chr13:23,334,215, plus strand): 5'-CACTTGCAAAATTGTCTTTCCACTTTGTGCAACTTTTGGTCTTATATTCTCGAGGCAACA[CAG>C]AGGATAACAAATCAGCAAAGCTGGAAATGTCAAACACTTTTGCAACTTTACAGTTCAATA-3'

ClinVar aggregate classification (germline): Pathogenic/Likely pathogenic. Review status: criteria provided, multiple submitters, no conflicts (2 of 4 stars). 2 submissions from 2 submitters: Pathogenic (1); Likely pathogenic (1). Last evaluated 2023-05-03.

Conditions:
Spastic paraplegia. Identifiers: MedGen C0037772, HP:0001258.
Charlevoix-Saguenay spastic ataxia (SACS). Also called: AUTOSOMAL RECESSIVE SPASTIC ATAXIA OF CHARLEVOIX-SAGUENAY; SPASTIC ATAXIA 6, AUTOSOMAL RECESSIVE; Spastic ataxia of Charlevoix-Saguenay. Identifiers: Orphanet 98, MedGen C1849140, MONDO:0010041, OMIM 270550.

Submissions (2):

Revvity Omics, Revvity
Classification: Likely pathogenic for Charlevoix-Saguenay spastic ataxia. Last evaluated: 2023-05-03. Review status: criteria provided, single submitter. Criteria: ACMG Guidelines, 2015. Collection method: clinical testing. Allele origin: germline.

Labcorp Genetics (formerly Invitae), Labcorp
Classification: Pathogenic for Spastic paraplegia. Last evaluated: 2021-11-01. Review status: criteria provided, single submitter. Criteria: Invitae Variant Classification Sherloc (09022015). Collection method: clinical testing. Allele origin: germline.
Comment: This sequence change creates a premature translational stop signal (p.Ser3220Cysfs*7) in the SACS gene. While this is not anticipated to result in nonsense mediated decay, it is expected to disrupt the last 1360 amino acid(s) of the SACS protein. This variant is not present in population databases (gnomAD no frequency). This variant has not been reported in the literature in individuals affected with SACS-related conditions. This variant disrupts a region of the SACS protein in which other variant(s) (p.Tyr4538*) have been determined to be pathogenic (PMID: 15156359, 21507954; Invitae). This suggests that this is a clinically significant region of the protein, and that variants that disrupt it are likely to be disease-causing. For these reasons, this variant has been classified as Pathogenic.

Literature cited by the submitters: PubMed 15156359 (cited by Labcorp Genetics (formerly Invitae), Labcorp); PubMed 21507954 (cited by Labcorp Genetics (formerly Invitae), Labcorp).